The following is an entry in ClinVar:

NM_152393.4(KLHL40):c.1422-23C>T

Gene: KLHL40 (kelch like family member 40; plus strand). Cytogenetic location: 3p22.1.
Variant type: single nucleotide variant.
Coding change: c.1422-23C>T on transcript NM_152393.4 (MANE Select); 23 bases into the intron before coding-DNA position 1422, C replaced by T.
Molecular consequence: intron variant.
Genome position (GRCh38, 1-based): chr3:42,688,846, C>T. VCF-style: chr3-42688846-C-T. GRCh37 (hg19) VCF-style: chr3-42730338-C-T.
Identifiers: ClinVar variation 679498 (VCV000679498.2), dbSNP rs141890952, ClinGen allele CA2336967.

ClinVar aggregate classification (germline): Likely benign. Review status: criteria provided, multiple submitters, no conflicts (2 of 4 stars). 2 submissions from 2 submitters: Likely benign (2). Last evaluated 2018-06-16.

Allele frequency attached by ClinVar (database versions not stated): gnomAD exomes 0.00104 and 0.00284; ExAC 0.00348; gnomAD 0.01019 and 0.01103; ESP Exome Variant Server 0.01161; TOPMed 0.01198; 1000 Genomes Project 0.01258; 1000 Genomes Project 30x 0.01296.

Submissions (2):

GeneDx
Classification: Likely benign. Last evaluated: 2018-06-16. Review status: criteria provided, single submitter. Criteria: GeneDx Variant Classification (06012015). Collection method: clinical testing. Allele origin: germline. Affected: yes.
Comment: This variant is considered likely benign or benign based on one or more of the following criteria: it is a conservative change, it occurs at a poorly conserved position in the protein, it is predicted to be benign by multiple in silico algorithms, and/or has population frequency not consistent with disease.

Breakthrough Genomics
Classification: Likely benign. Review status: criteria provided, single submitter. Criteria: ACMG Guidelines, 2015. Collection method: not provided. Allele origin: germline. Inheritance: Autosomal recessive inheritance. Affected: yes.